The following is an entry in ClinVar:

NM_033380.3(COL4A5):c.2950C>T (p.Gln984Ter)

Gene: COL4A5 (collagen type IV alpha 5 chain; plus strand). Cytogenetic location: Xq22.3.
Variant type: single nucleotide variant.
Coding change: c.2950C>T on transcript NM_033380.3 (MANE Select); coding-DNA position 2950, C replaced by T.
Protein change: p.Gln984Ter; replaces glutamine 984 with a stop codon.
Molecular consequence: nonsense.
Genome position (GRCh38, 1-based): chrX:108,624,268, C>T. VCF-style: chrX-108624268-C-T. GRCh37 (hg19) VCF-style: chrX-107867498-C-T.
Other names: c.2950C>T, p.Gln984Ter (NM_000495.5); short protein forms Q984*.
Identifiers: ClinVar variation 1074887 (VCV001074887.8), dbSNP rs2147869202, ClinGen allele CA413853284.

ClinVar aggregate classification (germline): Pathogenic. Review status: criteria provided, multiple submitters, no conflicts (2 of 4 stars). 2 submissions from 2 submitters: Pathogenic (2). Last evaluated 2026-03-23.

Conditions:
Hematuria. Identifiers: MedGen C0018965, HP:0000790.

Submissions (2):

Genetics Laboratory, Great Ormond Street Hospital NHS Foundation Trust, North Thames Genomic Laboratory Hub
Classification: Pathogenic for Haematuria. Last evaluated: 2026-03-23. Review status: criteria provided, single submitter. Criteria: ACGS Best Practice Guidelines for Variant Classification in Rare Disease 2024 v1.2. Collection method: clinical testing. Allele origin: germline. Affected: yes.
Comment: PM2_moderate, PVS1_very-strong

Labcorp Genetics (formerly Invitae), Labcorp
Classification: Pathogenic. Last evaluated: 2021-03-25. Review status: criteria provided, single submitter. Criteria: Invitae Variant Classification Sherloc (09022015). Collection method: clinical testing. Allele origin: germline.
Comment: For these reasons, this variant has been classified as Pathogenic. Loss-of-function variants in COL4A5 are known to be pathogenic (PMID: 9195222, 10752524, 14514738, 24854265, 26809805). This variant has not been reported in the literature in individuals with COL4A5-related conditions. This variant is not present in population databases (ExAC no frequency). This sequence change creates a premature translational stop signal (p.Gln984*) in the COL4A5 gene. It is expected to result in an absent or disrupted protein product.

Literature cited by the submitters: PubMed 9195222 (cited by Labcorp Genetics (formerly Invitae), Labcorp); PubMed 10752524 (cited by Labcorp Genetics (formerly Invitae), Labcorp); PubMed 14514738 (cited by Labcorp Genetics (formerly Invitae), Labcorp); PubMed 24854265 (cited by Labcorp Genetics (formerly Invitae), Labcorp); PubMed 26809805 (cited by Labcorp Genetics (formerly Invitae), Labcorp).